The following is an entry in ClinVar:

NM_001605.3(AARS1):c.1908del (p.Phe636fs)

Gene: AARS1 (alanyl-tRNA synthetase 1; minus strand). Cytogenetic location: 16q22.1.
Variant type: Deletion.
Coding change: c.1908del on transcript NM_001605.3 (MANE Select); coding-DNA position 1908, one base deleted (T; older notation c.1908delT).
Protein change: p.Phe636fs; shifts the reading frame from phenylalanine 636.
Molecular consequence: frameshift variant.
Genome position (GRCh38, 1-based): chr16:70,259,064, A deleted on the plus strand (T on the coding strand, the reverse complement: AARS1 is on the minus strand); the first of 3 consecutive A bases (chr16:70,259,064-70,259,066); deleting any one gives the same sequence. VCF-style (leftmost placement, unchanged base first): chr16-70259063-CA-C. GRCh37 (hg19) VCF-style: chr16-70292966-CA-C.
Other names: c.1908delT (NM_001605.3); short protein forms F636fs.
Identifiers: ClinVar variation 3895620 (VCV003895620.1).

ClinVar aggregate classification (germline): Pathogenic (1 of 4 stars; one submission).

Conditions:
Developmental and epileptic encephalopathy, 29 (DEE29). Also called: Epileptic encephalopathy, early infantile, 29. Identifiers: Orphanet 442835, MedGen C4225361, MONDO:0014593, OMIM 616339.

Submission:

Women's Health and Genetics/Laboratory Corporation of America, LabCorp
Classification: Pathogenic for Developmental and epileptic encephalopathy, 29. Last evaluated: 2025-03-17. Review status: criteria provided, single submitter. Criteria: LabCorp Variant Classification Summary - May 2015. Collection method: clinical testing. Allele origin: germline.
Comment: Variant summary: AARS1 c.1908delT (p.Phe636LeufsX24) results in a premature termination codon, predicted to cause a truncation of the encoded protein or absence of the protein due to nonsense mediated decay, which are commonly known mechanisms for disease. The variant was absent in 282888 control chromosomes. To our knowledge, no occurrence of c.1908delT in individuals affected with Developmental and epileptic encephalopathy, 29 and no experimental evidence demonstrating its impact on protein function have been reported. No submitters have cited clinical-significance assessments for this variant to ClinVar. Based on the evidence outlined above, the variant was classified as pathogenic.